The following is an entry in ClinVar:

NM_001170629.2(CHD8):c.5496T>A (p.Phe1832Leu)

Gene: CHD8 (chromodomain helicase DNA binding protein 8; minus strand). Cytogenetic location: 14q11.2.
Variant type: single nucleotide variant.
Coding change: c.5496T>A on transcript NM_001170629.2 (MANE Select); coding-DNA position 5496, T replaced by A.
Protein change: p.Phe1832Leu; replaces phenylalanine 1832 with leucine.
Molecular consequence: missense variant.
Genome position (GRCh38, 1-based): chr14:21,394,380, A>T on the plus strand (T>A on the coding strand, the complement: CHD8 is on the minus strand). VCF-style: chr14-21394380-A-T. GRCh37 (hg19) VCF-style: chr14-21862539-A-T.
Other names: c.4659T>A, p.Phe1553Leu (NM_020920.4); short protein forms F1553L, F1832L.
Identifiers: ClinVar variation 1314606 (VCV001314606.3), dbSNP rs1887680833, ClinGen allele CA388883192.

ClinVar aggregate classification (germline): Uncertain significance (1 of 4 stars; one submission).

Submission:

GeneDx
Classification: Uncertain significance. Last evaluated: 2023-07-27. Review status: criteria provided, single submitter. Criteria: GeneDx Variant Classification Process June 2021. Collection method: clinical testing. Allele origin: germline. Affected: yes.
Comment: Not observed at significant frequency in large population cohorts (gnomAD); In silico analysis supports that this missense variant does not alter protein structure/function; Has not been previously published as pathogenic or benign to our knowledge